The following is an entry in ClinVar:

NM_025243.4(SLC19A3):c.1378A>C (p.Ile460Leu)

Gene: SLC19A3 (solute carrier family 19 member 3; minus strand). Cytogenetic location: 2q36.3.
Variant type: single nucleotide variant.
Coding change: c.1378A>C on transcript NM_025243.4 (MANE Select); coding-DNA position 1378, A replaced by C.
Protein change: p.Ile460Leu; replaces isoleucine 460 with leucine.
Molecular consequence: missense variant.
Genome position (GRCh38, 1-based): chr2:227,687,510, T>G on the plus strand (A>C on the coding strand, the complement: SLC19A3 is on the minus strand). VCF-style: chr2-227687510-T-G. GRCh37 (hg19) VCF-style: chr2-228552226-T-G.
Other names: c.1378A>C, p.Ile460Leu (NM_001371411.1, NM_001371412.1); c.1366A>C, p.Ile456Leu (NM_001371413.1, NM_001371414.1); short protein forms I456L, I460L.
Identifiers: ClinVar variation 1370300 (VCV001370300.8), dbSNP rs1574540571, ClinGen allele CA350875176.

ClinVar aggregate classification (germline): Uncertain significance (1 of 4 stars; one submission).

Conditions:
Biotin-responsive basal ganglia disease (BTBGD). Also called: Thiamine Transporter-2 Deficiency; THIAMINE METABOLISM DYSFUNCTION SYNDROME 2 (BIOTIN- AND THIAMINE-RESPONSIVE TYPE); thiamine-responsive encephalopathy; Thiamine metabolism dysfunction syndrome type 2; Thiamine metabolism dysfunction syndrome 2 (biotin- or thiamine-responsive encephalopathy type 2). Identifiers: Orphanet 199348, Orphanet 65284, MedGen C1843807, MONDO:0011841, OMIM 607483.

Submission:

Labcorp Genetics (formerly Invitae), Labcorp
Classification: Uncertain significance for Biotin-responsive basal ganglia disease. Last evaluated: 2021-05-25. Review status: criteria provided, single submitter. Criteria: Invitae Variant Classification Sherloc (09022015). Collection method: clinical testing. Allele origin: germline.
Comment: This sequence change replaces isoleucine with leucine at codon 460 of the SLC19A3 protein (p.Ile460Leu). The isoleucine residue is moderately conserved and there is a small physicochemical difference between isoleucine and leucine. In summary, the available evidence is currently insufficient to determine the role of this variant in disease. Therefore, it has been classified as a Variant of Uncertain Significance. Advanced modeling of protein sequence and biophysical properties (such as structural, functional, and spatial information, amino acid conservation, physicochemical variation, residue mobility, and thermodynamic stability) performed at Invitae indicates that this missense variant is not expected to disrupt SLC19A3 protein function. This variant has not been reported in the literature in individuals with SLC19A3-related conditions. This variant is not present in population databases (ExAC no frequency).